The following is an entry in ClinVar:

ClinVar aggregate classification (germline): Uncertain significance (1 of 4 stars; one submission).

Submission:

Labcorp Genetics (formerly Invitae), Labcorp
Classification: Uncertain significance. Last evaluated: 2025-04-21. Review status: criteria provided, single submitter. Criteria: Invitae Variant Classification Sherloc (09022015). Collection method: clinical testing. Allele origin: germline.
Comment: This sequence change replaces tyrosine, which is neutral and polar, with asparagine, which is neutral and polar, at codon 7 of the AP3B2 protein (p.Tyr7Asn). This variant is not present in population databases (gnomAD no frequency). This variant has not been reported in the literature in individuals affected with AP3B2-related conditions. An algorithm developed to predict the effect of missense changes on protein structure and function (PolyPhen-2) suggests that this variant is likely to be tolerated. In summary, the available evidence is currently insufficient to determine the role of this variant in disease. Therefore, it has been classified as a Variant of Uncertain Significance.

NM_001278512.2(AP3B2):c.19T>A (p.Tyr7Asn)

Gene: AP3B2 (adaptor related protein complex 3 subunit beta 2; minus strand). Cytogenetic location: 15q25.2.
Variant type: single nucleotide variant.
Coding change: c.19T>A on transcript NM_001278512.2 (MANE Select); coding-DNA position 19, T replaced by A.
Protein change: p.Tyr7Asn; replaces tyrosine 7 with asparagine.
Molecular consequence: missense variant.
Genome position (GRCh38, 1-based): chr15:82,709,688, A>T on the plus strand (T>A on the coding strand, the complement: AP3B2 is on the minus strand). VCF-style: chr15-82709688-A-T. GRCh37 (hg19) VCF-style: chr15-83378440-A-T.
Other names: c.19T>A, p.Tyr7Asn (NM_001278511.2, NM_001348440.2, NM_004644.5); short protein forms Y7N.
Identifiers: ClinVar variation 4798334 (VCV004798334.1).